The following is an entry in ClinVar:

ClinVar aggregate classification (germline): Likely pathogenic (1 of 4 stars; one submission).

Submission:

Labcorp Genetics (formerly Invitae), Labcorp
Classification: Likely pathogenic. Last evaluated: 2022-10-06. Review status: criteria provided, single submitter. Criteria: Invitae Variant Classification Sherloc (09022015). Collection method: clinical testing. Allele origin: germline.
Comment: This variant has not been reported in the literature in individuals affected with NAA15-related conditions. Algorithms developed to predict the effect of sequence changes on RNA splicing suggest that this variant may disrupt the consensus splice site. In summary, the currently available evidence indicates that the variant is pathogenic, but additional data are needed to prove that conclusively. Therefore, this variant has been classified as Likely Pathogenic. This variant is not present in population databases (gnomAD no frequency). This sequence change affects a donor splice site in intron 18 of the NAA15 gene. It is expected to disrupt RNA splicing. Variants that disrupt the donor or acceptor splice site typically lead to a loss of protein function (PMID: 16199547), and loss-of-function variants in NAA15 are known to be pathogenic (PMID: 28191889, 29656860).

Literature cited by the submitters: PubMed 16199547; PubMed 28191889; PubMed 29656860.

NM_057175.5(NAA15):c.2302+1G>T

Gene: NAA15 (N-alpha-acetyltransferase 15, NatA auxiliary subunit; plus strand). Cytogenetic location: 4q31.1.
Variant type: single nucleotide variant.
Coding change: c.2302+1G>T on transcript NM_057175.5 (MANE Select); the canonical splice donor site of the intron after coding-DNA position 2302, G replaced by T.
Molecular consequence: splice donor variant.
Genome position (GRCh38, 1-based): chr4:139,384,979, G>T. VCF-style: chr4-139384979-G-T. GRCh37 (hg19) VCF-style: chr4-140306133-G-T.
Other names: c.2299+1G>T (NM_001410842.1).
Identifiers: ClinVar variation 2031400 (VCV002031400.4), dbSNP rs2530480727, ClinGen allele CA358270785.